The following is an entry in ClinVar:

NM_020988.3(GNAO1):c.499G>A (p.Asp167Asn)

Gene: GNAO1 (G protein subunit alpha o1; plus strand). Cytogenetic location: 16q13.
Variant type: single nucleotide variant.
Coding change: c.499G>A on transcript NM_020988.3 (MANE Select); coding-DNA position 499, G replaced by A.
Protein change: p.Asp167Asn; replaces aspartic acid 167 with asparagine.
Molecular consequence: missense variant.
Genome position (GRCh38, 1-based): chr16:56,334,763, G>A. VCF-style: chr16-56334763-G-A. GRCh37 (hg19) VCF-style: chr16-56368675-G-A.
Other names: c.499G>A, p.Asp167Asn (NM_138736.3); short protein forms D167N.
Identifiers: ClinVar variation 1744646 (VCV001744646.5), dbSNP rs2037724346, ClinGen allele CA395951440.

ClinVar aggregate classification (germline): Uncertain significance. Review status: criteria provided, multiple submitters, no conflicts (2 of 4 stars). 2 submissions from 2 submitters: Uncertain significance (2). Last evaluated 2019-12-25.

Conditions:
Inborn genetic diseases. Identifiers: MedGen C0950123, MeSH D030342.

Allele frequency attached by ClinVar (database versions not stated): TOPMed below 0.00001; gnomAD exomes 0.00001.
gnomAD v4.1: 7 of 1,613,942 alleles (0.00043%); highest among the groups gnomAD compares: African/African-American, 0.0013%; no homozygotes.

Submissions (2):

Revvity Omics, Revvity
Classification: Uncertain significance. Last evaluated: 2019-12-25. Review status: criteria provided, single submitter. Criteria: ACMG Guidelines, 2015. Collection method: clinical testing. Allele origin: germline.

Ambry Genetics
Classification: Uncertain significance for Inborn genetic diseases. Last evaluated: 2019-02-20. Review status: criteria provided, single submitter. Criteria: Ambry Variant Classification Scheme 2023. Collection method: clinical testing. Allele origin: germline.
Comment: The p.D167N variant (also known as c.499G>A), located in coding exon 5 of the GNAO1 gene, results from a G to A substitution at nucleotide position 499. The aspartic acid at codon 167 is replaced by asparagine, an amino acid with highly similar properties. This amino acid position is highly conserved in available vertebrate species. In addition, the in silico prediction for this alteration is inconclusive. Since supporting evidence is limited at this time, the clinical significance of this alteration remains unclear.